The following is an entry in ClinVar:

NM_001195263.2(PDZD7):c.2011C>A (p.Arg671Ser)

Gene: PDZD7 (PDZ domain containing 7; minus strand). Cytogenetic location: 10q24.31.
Variant type: single nucleotide variant.
Coding change: c.2011C>A on transcript NM_001195263.2 (MANE Select); coding-DNA position 2011, C replaced by A.
Protein change: p.Arg671Ser; replaces arginine 671 with serine.
Molecular consequence: missense variant.
Genome position (GRCh38, 1-based): chr10:101,010,878, G>T on the plus strand (C>A on the coding strand, the complement: PDZD7 is on the minus strand). VCF-style: chr10-101010878-G-T. GRCh37 (hg19) VCF-style: chr10-102770635-G-T.
Other names: short protein forms R671S.
Identifiers: ClinVar variation 666907 (VCV000666907.13), dbSNP rs925832623, ClinGen allele CA212978994.

ClinVar aggregate classification (germline): Conflicting classifications of pathogenicity. Review status: criteria provided, conflicting classifications (1 of 4 stars). 4 submissions from 4 submitters: Uncertain significance (3); Likely benign (1). Last evaluated 2025-06-19.

Allele frequency attached by ClinVar (database versions not stated): gnomAD 0.00003; TOPMed 0.00003.
gnomAD v4.1: 48 of 1,533,612 alleles (0.0031%); highest among the groups gnomAD compares: Middle Eastern, 0.044%; no homozygotes.

Submissions (4):

GeneDx
Classification: Likely benign. Last evaluated: 2025-06-19. Review status: criteria provided, single submitter. Criteria: GeneDx Variant Classification Process June 2021. Collection method: clinical testing. Allele origin: germline. Affected: yes.
Comment: See Variant Classification Assertion Criteria.

Blueprint Genetics
Classification: Uncertain significance. Last evaluated: 2024-05-24. Review status: criteria provided, single submitter. Criteria: ACMG Guidelines, 2015. Collection method: clinical testing. Allele origin: germline.

Labcorp Genetics (formerly Invitae), Labcorp
Classification: Uncertain significance. Last evaluated: 2022-10-05. Review status: criteria provided, single submitter. Criteria: Invitae Variant Classification Sherloc (09022015). Collection method: clinical testing. Allele origin: germline.
Comment: This sequence change replaces arginine, which is basic and polar, with serine, which is neutral and polar, at codon 671 of the PDZD7 protein (p.Arg671Ser). This variant is present in population databases (no rsID available, gnomAD 0.04%). This variant has not been reported in the literature in individuals affected with PDZD7-related conditions. ClinVar contains an entry for this variant (Variation ID: 666907). Advanced modeling of protein sequence and biophysical properties (such as structural, functional, and spatial information, amino acid conservation, physicochemical variation, residue mobility, and thermodynamic stability) performed at Invitae indicates that this missense variant is not expected to disrupt PDZD7 protein function. In summary, the available evidence is currently insufficient to determine the role of this variant in disease. Therefore, it has been classified as a Variant of Uncertain Significance.

Laboratory for Molecular Medicine, Mass General Brigham Personalized Medicine
Classification: Uncertain significance. Last evaluated: 2018-12-13. Review status: criteria provided, single submitter. Criteria: LMM Criteria. Collection method: clinical testing. Allele origin: germline. Observed: 1 variant allele.
Comment: The p.Arg671Ser variant in PDZD7 has not been previously reported in individuals with hearing loss, but has been identified in 0.04% (10/25204) of Latino chromo somes by gnomAD. Computational prediction too ls and conservation analysis suggest that this variant may not impact the protei n, though this information is not predictive enough to rule out pathogenicity. I n summary, the clinical significance of this variant is uncertain. ACMG/AMP Crit eria applied: PM2_Supporting, BP4.